The following is an entry in ClinVar:

NM_030665.4(RAI1):c.3826C>G (p.Pro1276Ala)

Gene: RAI1 (retinoic acid induced 1; plus strand). Cytogenetic location: 17p11.2.
Variant type: single nucleotide variant.
Coding change: c.3826C>G on transcript NM_030665.4 (MANE Select); coding-DNA position 3826, C replaced by G.
Protein change: p.Pro1276Ala; replaces proline 1276 with alanine.
Molecular consequence: missense variant.
Genome position (GRCh38, 1-based): chr17:17,796,774, C>G. VCF-style: chr17-17796774-C-G. GRCh37 (hg19) VCF-style: chr17-17700088-C-G.
Other names: short protein forms P1276A.
Identifiers: ClinVar variation 3350109 (VCV003350109.1).

ClinVar aggregate classification (germline): Uncertain significance (0 of 4 stars; one submission).

Conditions:
RAI1-related disorder. Also called: RAI1-related condition.

Submission:

PreventionGenetics, part of Exact Sciences
Classification: Uncertain significance for RAI1-related condition. Last evaluated: 2024-03-23. Review status: no assertion criteria provided. Collection method: clinical testing. Allele origin: germline.
Comment: The RAI1 c.3826C>G variant is predicted to result in the amino acid substitution p.Pro1276Ala. To our knowledge, this variant has not been reported in the literature or in a large population database, indicating this variant is rare. At this time, the clinical significance of this variant is uncertain due to the absence of conclusive functional and genetic evidence.